The following is an entry in ClinVar:

ClinVar aggregate classification (germline): Likely benign. Review status: criteria provided, multiple submitters, no conflicts (2 of 4 stars). 4 submissions from 4 submitters: Likely benign (3). 1 of the submissions does not count toward it. Last evaluated 2025-12-06.

Conditions:
JAG1-related disorder. Also called: JAG1-related disorders; JAG1-related condition.
Alagille syndrome due to a JAG1 point mutation. Also called: Alagille Syndrome 1; HEPATIC DUCTULAR HYPOPLASIA, SYNDROMATIC; JAG1-Related Alagille Syndrome. Identifiers: Orphanet 261619, Orphanet 52, MedGen C1956125, MONDO:0016862, OMIM 118450.
Tetralogy of Fallot (TOF). Identifiers: Orphanet 3303, MedGen C0039685, MONDO:0008542, OMIM 187500, HP:0001636.
Charcot-Marie-Tooth disease, axonal, Type 2HH. Also called: CHARCOT-MARIE-TOOTH NEUROPATHY, TYPE 2HH. Identifiers: MedGen C5562003, MONDO:0030458, OMIM 619574.
Deafness, congenital heart defects, and posterior embryotoxon (DCHE). Identifiers: MedGen C1866053, MONDO:0060713, OMIM 617992.

Submissions (4):

Labcorp Genetics (formerly Invitae), Labcorp
Classification: Likely benign for Alagille syndrome due to a JAG1 point mutation. Last evaluated: 2025-12-06. Review status: criteria provided, single submitter. Criteria: Invitae Variant Classification Sherloc (09022015). Collection method: clinical testing. Allele origin: germline.

Blueprint Genetics
Classification: Likely benign. Last evaluated: 2024-09-11. Review status: criteria provided, single submitter. Criteria: ACMG Guidelines, 2015. Collection method: clinical testing. Allele origin: germline.

Fulgent Genetics
Classification: Likely benign for Alagille syndrome due to a JAG1 point mutation; Tetralogy of Fallot; Deafness, congenital heart defects, and posterior embryotoxon; Charcot-Marie-Tooth disease, axonal, Type 2HH. Last evaluated: 2021-11-17. Review status: criteria provided, single submitter. Criteria: ACMG Guidelines, 2015. Collection method: clinical testing. Allele origin: unknown.

PreventionGenetics, part of Exact Sciences
Classification: Likely benign for JAG1-related condition. Last evaluated: 2020-06-11. Review status: no assertion criteria provided. Collection method: clinical testing. Allele origin: germline. Not counted in ClinVar's aggregate classification.
Comment: This variant is classified as likely benign based on ACMG/AMP sequence variant interpretation guidelines (Richards et al. 2015 PMID: 25741868, with internal and published modifications).

NM_000214.3(JAG1):c.1349-19_1349-17del

Gene: JAG1 (jagged canonical Notch ligand 1; minus strand). Cytogenetic location: 20p12.2.
Variant type: Microsatellite.
Coding change: c.1349-19_1349-17del on transcript NM_000214.3 (MANE Select); 19 bases into the intron before coding-DNA position 1349 through 17 bases into the intron before coding-DNA position 1349, 3 bases deleted (TGA; older notation c.1349-19_1349-17delTGA).
Molecular consequence: intron variant.
Genome position (GRCh38, 1-based): chr20:10,649,124-10,649,126, TCA deleted on the plus strand (TGA on the coding strand, the reverse complement: JAG1 is on the minus strand); deleting any 3 consecutive bases within chr20:10,649,124-10,649,130 gives the same sequence; the c. name uses the placement nearest the transcript's 3' end. VCF-style (leftmost placement, unchanged base first): chr20-10649123-GTCA-G. GRCh37 (hg19) VCF-style: chr20-10629771-GTCA-G.
Other names: c.1349-19_1349-17delTGA (NM_000214.2).
Identifiers: ClinVar variation 1497172 (VCV001497172.13), dbSNP rs756384545, ClinGen allele CA9764898.